The following is an entry in ClinVar:

ClinVar aggregate classification (germline): Pathogenic (0 of 4 stars; one submission).

Conditions:
NF1-related disorder. Also called: NF1-related condition. Identifiers: MedGen CN379171.

Submission:

PreventionGenetics, part of Exact Sciences
Classification: Pathogenic for NF1-related condition. Last evaluated: 2024-02-16. Review status: no assertion criteria provided. Collection method: clinical testing. Allele origin: germline.
Comment: The NF1 c.3455_3456dupTA variant is predicted to result in a frameshift and premature protein termination (p.Leu1153Tyrfs*6). To our knowledge, this variant has not been reported in the literature or in a large population database, indicating this variant is rare. Frameshift variants in NF1 are expected to be pathogenic. This variant is interpreted as pathogenic.

NM_001042492.3(NF1):c.3455_3456dup (p.Leu1153fs)

Gene: NF1 (neurofibromin 1; plus strand). Cytogenetic location: 17q11.2.
Variant type: Duplication.
Coding change: c.3455_3456dup on transcript NM_001042492.3 (MANE Select); coding-DNA positions 3455 to 3456, 2 bases duplicated (TA; older notation c.3455_3456dupTA).
Protein change: p.Leu1153fs; shifts the reading frame from leucine 1153.
Molecular consequence: frameshift variant.
Genome position (GRCh38, 1-based): chr17:31,232,840-31,232,841, TA duplicated. VCF-style (leftmost placement, unchanged base first): chr17-31232839-T-TTA. GRCh37 (hg19) VCF-style: chr17-29559857-T-TTA.
Other names: c.3455_3456dupTA (NM_001042492.2); c.3455_3456dup, p.Leu1153Tyrfs (NM_000267.4); short protein forms L1153fs.
Identifiers: ClinVar variation 3061056 (VCV003061056.2), dbSNP rs2508233035, ClinGen allele CA2740095317.